The following is an entry in ClinVar:

NM_000038.6(APC):c.1455_1457delinsTTT (p.Met485_Tyr486delinsIlePhe)

Gene: APC (APC regulator of Wnt signaling pathway; plus strand). Cytogenetic location: 5q22.2.
Variant type: Indel.
Coding change: c.1455_1457delinsTTT on transcript NM_000038.6 (MANE Select); coding-DNA positions 1455 to 1457, GTA replaced by TTT.
Protein change: p.Met485_Tyr486delinsIlePhe.
Molecular consequence: missense variant.
Genome position (GRCh38, 1-based): chr5:112,827,154-112,827,156, GTA replaced by TTT. VCF-style: chr5-112827154-GTA-TTT. GRCh37 (hg19) VCF-style: chr5-112162851-GTA-TTT.
Other names: c.1434_1436delinsTTT, p.Met478_Tyr479delinsIlePhe (NM_001407451.1); c.1206_1208delinsTTT, p.Met402_Tyr403delinsIlePhe (NM_001407457.1, NM_001407454.1, NM_001407455.1 and 1 more transcripts); c.1278_1280delinsTTT, p.Met426_Tyr427delinsIlePhe (NM_001407453.1, NM_001354901.2); c.1152_1154delinsTTT, p.Met384_Tyr385delinsIlePhe (NM_001407458.1, NM_001354903.2, NM_001407459.1 and 1 more transcripts); c.1425_1427delinsTTT, p.Met475_Tyr476delinsIlePhe (NM_001407452.1); c.1455_1457delinsTTT, p.Met485_Tyr486delinsIlePhe (NM_001127510.3, NM_001354895.2, NM_001407450.1); c.1401_1403delinsTTT, p.Met467_Tyr468delinsIlePhe (NM_001127511.3); c.1509_1511delinsTTT, p.Met503_Tyr504delinsIlePhe (NM_001354896.2, NM_001407447.1, NM_001407448.1 and 1 more transcripts); and 11 more.
Identifiers: ClinVar variation 3411046 (VCV003411046.1).

ClinVar aggregate classification (germline): Uncertain significance (1 of 4 stars; one submission).

Conditions:
Hereditary cancer-predisposing syndrome. Also called: Neoplastic Syndromes, Hereditary; Tumor predisposition; Hereditary Cancer Syndrome; Hereditary neoplastic syndrome. Identifiers: Orphanet 140162, MedGen C0027672, MeSH D009386, MONDO:0015356.

Submission:

Ambry Genetics
Classification: Uncertain significance for Hereditary cancer-predisposing syndrome. Last evaluated: 2024-09-26. Review status: criteria provided, single submitter. Criteria: Ambry Variant Classification Scheme 2023. Collection method: clinical testing. Allele origin: germline.
Comment: The c.1455_1457delGTAinsTTT variant (also known as p.M485_Y486delinsIF), located in coding exon 11 of the APC gene, results from an in-frame deletion of GTA and insertion of TTT at nucleotide positions 1455 to 1457. This results in the substitution of M and Y residues for I and F residues at codons 485 and 486. This amino acid region is well conserved in available vertebrate species. In addition, the in silico prediction for this alteration is inconclusive (Choi Y et al. PLoS ONE. 2012; 7(10):e46688). Since supporting evidence is limited at this time, the clinical significance of this alteration remains unclear.